The following is an entry in ClinVar:

NM_001375380.1(EBF3):c.1211G>A (p.Arg404Gln)

Gene: EBF3 (EBF transcription factor 3; minus strand). Cytogenetic location: 10q26.3.
Variant type: single nucleotide variant.
Coding change: c.1211G>A on transcript NM_001375380.1 (MANE Select); coding-DNA position 1211, G replaced by A.
Protein change: p.Arg404Gln; replaces arginine 404 with glutamine.
Molecular consequence: missense variant.
Genome position (GRCh38, 1-based): chr10:129,842,277, C>T on the plus strand (G>A on the coding strand, the complement: EBF3 is on the minus strand). VCF-style: chr10-129842277-C-T. GRCh37 (hg19) VCF-style: chr10-131640541-C-T.
Other names: c.1184G>A, p.Arg395Gln (NM_001005463.3, NM_001375390.1, NM_001375392.1); c.1211G>A, p.Arg404Gln (NM_001375379.1, NM_001375389.1, NM_001375391.1); short protein forms R404Q, R395Q.
Identifiers: ClinVar variation 4992751 (VCV004992751.1).

ClinVar aggregate classification (germline): Uncertain significance (1 of 4 stars; one submission).

Conditions:
EBF3-related disorder. Identifiers: MedGen CN239924.

gnomAD v4.1: 2 of 1,600,042 alleles (0.00012%); highest among the groups gnomAD compares: Admixed American, 0.0017%; no homozygotes.

Submission:

PreventionGenetics, part of Exact Sciences
Classification: Uncertain significance for EBF3-related condition. Last evaluated: 2026-01-21. Review status: criteria provided, single submitter. Criteria: ACMG Guidelines, 2015. Collection method: clinical testing. Allele origin: germline.
Comment: The EBF3 c.1184G>A variant is predicted to result in the amino acid substitution p.Arg395Gln. To our knowledge, this variant has not been reported in the literature. This variant is reported in 0.0030% of alleles in individuals of Latino descent in gnomAD. At this time, the clinical significance of this variant is uncertain due to the absence of conclusive functional and genetic evidence.